The following is an entry in ClinVar:

NM_025114.4(CEP290):c.2682del (p.Lys894fs)

Gene: CEP290 (centrosomal protein 290; minus strand). Cytogenetic location: 12q21.32.
Variant type: Deletion.
Coding change: c.2682del on transcript NM_025114.4 (MANE Select); coding-DNA position 2682, one base deleted (A; older notation c.2682delA).
Protein change: p.Lys894fs; shifts the reading frame from lysine 894.
Molecular consequence: frameshift variant.
Genome position (GRCh38, 1-based): chr12:88,106,810, T deleted on the plus strand (A on the coding strand, the reverse complement: CEP290 is on the minus strand); the first of 5 consecutive T bases (chr12:88,106,810-88,106,814); deleting any one gives the same sequence. VCF-style (leftmost placement, unchanged base first): chr12-88106809-AT-A. GRCh37 (hg19) VCF-style: chr12-88500586-AT-A.
Other names: short protein forms K894fs.
Identifiers: ClinVar variation 2953597 (VCV002953597.3), dbSNP rs1555216730, ClinGen allele CA2740092486.

ClinVar aggregate classification (germline): Pathogenic (1 of 4 stars; one submission).

Conditions:
Joubert syndrome. Also called: CEREBELLOPARENCHYMAL DISORDER IV; JOUBERT-BOLTSHAUSER SYNDROME; Familial aplasia of the vermis. Identifiers: Orphanet 475, MedGen C5979921, MONDO:0018772.
Nephronophthisis. Also called: Juvenile Nephronophthisis. Identifiers: Orphanet 655, MedGen C0687120, MONDO:0019005, HP:0000090.
Meckel-Gruber syndrome. Also called: DYSENCEPHALIA SPLANCHNOCYSTICA; GRUBER SYNDROME; Dysencephalia splachnocystica. Identifiers: Orphanet 564, MedGen C0265215, MONDO:0018921.

Submission:

Labcorp Genetics (formerly Invitae), Labcorp
Classification: Pathogenic for Joubert syndrome; Meckel-Gruber syndrome; Nephronophthisis. Last evaluated: 2023-11-05. Review status: criteria provided, single submitter. Criteria: Invitae Variant Classification Sherloc (09022015). Collection method: clinical testing. Allele origin: germline.
Comment: This sequence change creates a premature translational stop signal (p.Lys894Asnfs*4) in the CEP290 gene. It is expected to result in an absent or disrupted protein product. Loss-of-function variants in CEP290 are known to be pathogenic (PMID: 16909394, 17345604, 20690115). This variant is not present in population databases (gnomAD no frequency). This variant has not been reported in the literature in individuals affected with CEP290-related conditions. Algorithms developed to predict the effect of sequence changes on RNA splicing suggest that this variant may disrupt the consensus splice site. For these reasons, this variant has been classified as Pathogenic.

Literature cited by the submitters: PubMed 16909394; PubMed 17345604; PubMed 20690115.